The following is an entry in ClinVar:

NM_020549.5(CHAT):c.1652T>G (p.Val551Gly)

Gene: CHAT (choline O-acetyltransferase; plus strand). Cytogenetic location: 10q11.23.
Variant type: single nucleotide variant.
Coding change: c.1652T>G on transcript NM_020549.5 (MANE Select); coding-DNA position 1652, T replaced by G.
Protein change: p.Val551Gly; replaces valine 551 with glycine.
Molecular consequence: missense variant.
Genome position (GRCh38, 1-based): chr10:49,655,112, T>G. VCF-style: chr10-49655112-T-G. GRCh37 (hg19) VCF-style: chr10-50863158-T-G.
Other names: c.1298T>G, p.Val433Gly (NM_001142929.2, NM_001142934.2, NM_020984.4 and 2 more transcripts); c.1406T>G, p.Val469Gly (NM_001142933.2); short protein forms V551G, V433G, V469G.
Identifiers: ClinVar variation 461450 (VCV000461450.8), dbSNP rs1554808432, ClinGen allele CA376747159.

ClinVar aggregate classification (germline): Uncertain significance (1 of 4 stars; one submission).

Conditions:
Familial infantile myasthenia (CMS6). Also called: MYASTHENIC SYNDROME, PRESYNAPTIC, CONGENITAL, ASSOCIATED WITH EPISODIC APNEA; MYASTHENIC SYNDROME, CONGENITAL, 6, PRESYNAPTIC; Congenital myasthenic syndrome type 6. Identifiers: Orphanet 590, MedGen C0393929, MONDO:0009689, OMIM 254210.

Submission:

Labcorp Genetics (formerly Invitae), Labcorp
Classification: Uncertain significance for Familial infantile myasthenia. Last evaluated: 2022-08-09. Review status: criteria provided, single submitter. Criteria: Invitae Variant Classification Sherloc (09022015). Collection method: clinical testing. Allele origin: germline.
Comment: This sequence change replaces valine, which is neutral and non-polar, with glycine, which is neutral and non-polar, at codon 551 of the CHAT protein (p.Val551Gly). Advanced modeling of protein sequence and biophysical properties (such as structural, functional, and spatial information, amino acid conservation, physicochemical variation, residue mobility, and thermodynamic stability) performed at Invitae indicates that this missense variant is not expected to disrupt CHAT protein function. In summary, the available evidence is currently insufficient to determine the role of this variant in disease. Therefore, it has been classified as a Variant of Uncertain Significance. ClinVar contains an entry for this variant (Variation ID: 461450). This variant has not been reported in the literature in individuals affected with CHAT-related conditions. This variant is not present in population databases (gnomAD no frequency).